The following is an entry in ClinVar:

NM_024664.4(PPCS):c.36G>A (p.Gln12=)

Genes: CCDC30 (coiled-coil domain containing 30; plus strand), PPCS (phosphopantothenoylcysteine synthetase; plus strand). Cytogenetic location: 1p34.2.
Variant type: single nucleotide variant.
Coding change: c.36G>A on transcript NM_024664.4 (MANE Select); coding-DNA position 36, G replaced by A.
Protein change: p.Gln12=; no amino-acid change (glutamine 12 retained).
Molecular consequence: synonymous variant. On other transcripts: intron variant (4), 5 prime UTR variant (3).
Genome position (GRCh38, 1-based): chr1:42,456,601, G>A. VCF-style: chr1-42456601-G-A. GRCh37 (hg19) VCF-style: chr1-42922272-G-A.
Other names: p.Gln12=; c.36G>A, p.Gln12= (NM_001287511.2); c.-984+102G>A (NM_001355226.2); c.-328+102G>A (NM_001287507.1); c.-12+102G>A (NM_001287506.1); c.-12+18G>A (NM_001287509.2); c.-39G>A (NM_001077447.3); c.-135G>A (NM_001287508.2); and 1 more.
Identifiers: ClinVar variation 1537987 (VCV001537987.12), dbSNP rs72950587, ClinGen allele CA799890.

ClinVar aggregate classification (germline): Benign. Review status: criteria provided, multiple submitters, no conflicts (2 of 4 stars). 5 submissions from 5 submitters: Benign (4). 1 of the submissions does not count toward it. Last evaluated 2026-02-03.

Conditions:
PPCS-related disorder. Also called: PPCS-related condition.

Allele frequency attached by ClinVar (database versions not stated): gnomAD 0.01561 and 0.01457; ESP Exome Variant Server 0.01525; 1000 Genomes Project 30x 0.01889; 1000 Genomes Project 0.01717; gnomAD exomes 0.00428; ExAC 0.00808; TOPMed 0.01660.
gnomAD v4.1: 4,033 of 1,513,260 alleles (0.27%); highest among the groups gnomAD compares: African/African-American, 5.2%; 94 homozygotes.

Submissions (5):

Labcorp Genetics (formerly Invitae), Labcorp
Classification: Benign. Last evaluated: 2026-02-03. Review status: criteria provided, single submitter. Criteria: Invitae Variant Classification Sherloc (09022015). Collection method: clinical testing. Allele origin: germline.

Molecular Diagnostic Laboratory for Inherited Cardiovascular Disease, Montreal Heart Institute
Classification: Benign. Last evaluated: 2025-04-09. Review status: criteria provided, single submitter. Criteria: ACMG Guidelines, 2015. Collection method: clinical testing. Allele origin: germline. Affected: no.

Mayo Clinic Laboratories, Mayo Clinic
Classification: Benign. Last evaluated: 2023-05-18. Review status: criteria provided, single submitter. Criteria: ACMG Guidelines, 2015. Collection method: clinical testing. Allele origin: germline. Observed: 8 variant alleles.

Breakthrough Genomics
Classification: Benign. Review status: criteria provided, single submitter. Criteria: ACMG Guidelines, 2015. Collection method: not provided. Allele origin: germline. Inheritance: Autosomal recessive inheritance. Affected: yes.

PreventionGenetics, part of Exact Sciences
Classification: Benign for PPCS-related condition. Last evaluated: 2019-02-22. Review status: no assertion criteria provided. Collection method: clinical testing. Allele origin: germline. Not counted in ClinVar's aggregate classification.
Comment: This variant is classified as benign based on ACMG/AMP sequence variant interpretation guidelines (Richards et al. 2015 PMID: 25741868, with internal and published modifications).